The following is an entry in ClinVar:

ClinVar aggregate classification (germline): Pathogenic (1 of 4 stars; one submission).

Conditions:
Neurofibromatosis, type 1 (NF1). Also called: Peripheral type neurofibromatosis; VON RECKLINGHAUSEN DISEASE; NEUROFIBROMATOSIS, TYPE I, SOMATIC; Neurofibromatosis, type I. Identifiers: Orphanet 636, MedGen C0027831, MONDO:0018975, OMIM 162200. Disease mechanism: loss of function.

Submission:

Labcorp Genetics (formerly Invitae), Labcorp
Classification: Pathogenic for Neurofibromatosis, type 1. Last evaluated: 2023-12-27. Review status: criteria provided, single submitter. Criteria: Invitae Variant Classification Sherloc (09022015). Collection method: clinical testing. Allele origin: germline.
Comment: This sequence change creates a premature translational stop signal (p.Leu90Thrfs*17) in the NF1 gene. It is expected to result in an absent or disrupted protein product. Loss-of-function variants in NF1 are known to be pathogenic (PMID: 10712197, 23913538). This variant is not present in population databases (gnomAD no frequency). This variant has not been reported in the literature in individuals affected with NF1-related conditions. For these reasons, this variant has been classified as Pathogenic.

Literature cited by the submitters: PubMed 10712197; PubMed 23913538.

NM_001042492.3(NF1):c.266dup (p.Leu90fs)

Gene: NF1 (neurofibromin 1; plus strand). Cytogenetic location: 17q11.2.
Variant type: Duplication.
Coding change: c.266dup on transcript NM_001042492.3 (MANE Select); coding-DNA position 266, one base duplicated (C; older notation c.266dupC).
Protein change: p.Leu90fs; shifts the reading frame from leucine 90.
Molecular consequence: frameshift variant.
Genome position (GRCh38, 1-based): chr17:31,159,071, C duplicated. VCF-style (leftmost placement, unchanged base first): chr17-31159070-A-AC. GRCh37 (hg19) VCF-style: chr17-29486088-A-AC.
Other names: c.266dup, p.Leu90Thrfs (NM_000267.4); c.266dup, p.Leu90fs (NM_001128147.3); short protein forms L90fs.
Identifiers: ClinVar variation 2705755 (VCV002705755.3), dbSNP rs2544690768, ClinGen allele CA2697559531.